The following is an entry in ClinVar:

NM_020163.3(SEMA3G):c.1132C>T (p.Arg378Cys)

Gene: SEMA3G (semaphorin 3G; minus strand). Cytogenetic location: 3p21.1.
Variant type: single nucleotide variant.
Coding change: c.1132C>T on transcript NM_020163.3 (MANE Select); coding-DNA position 1132, C replaced by T.
Protein change: p.Arg378Cys; replaces arginine 378 with cysteine.
Molecular consequence: missense variant.
Genome position (GRCh38, 1-based): chr3:52,440,388, G>A on the plus strand (C>T on the coding strand, the complement: SEMA3G is on the minus strand). VCF-style: chr3-52440388-G-A. GRCh37 (hg19) VCF-style: chr3-52474404-G-A.
Other names: short protein forms R378C.
Identifiers: ClinVar variation 4986474 (VCV004986474.1).

ClinVar aggregate classification (germline): Uncertain significance (1 of 4 stars; one submission).

Conditions:
SEMA3G-related disorder. Also called: SEMA3G-related condition.

gnomAD v4.1: 24 of 1,605,826 alleles (0.0015%); highest among the groups gnomAD compares: African/African-American, 0.008%; no homozygotes.

Submission:

PreventionGenetics, part of Exact Sciences
Classification: Uncertain significance for SEMA3G-related condition. Last evaluated: 2026-05-28. Review status: criteria provided, single submitter. Criteria: ACMG Guidelines, 2015. Collection method: clinical testing. Allele origin: germline.
Comment: The SEMA3G c.1132C>T variant is predicted to result in the amino acid substitution p.Arg378Cys. To our knowledge, this variant has not been reported in the literature. This variant is reported in 0.0082% of alleles in individuals of African descent in gnomAD. At this time, the clinical significance of this variant is uncertain due to the absence of conclusive functional and genetic evidence.